The following is an entry in ClinVar:

ClinVar aggregate classification (germline): Uncertain significance (1 of 4 stars; one submission).

Conditions:
Ataxia-telangiectasia syndrome (AT). Also called: Cerebello-oculocutaneous telangiectasia; Immunodeficiency with ataxia telangiectasia; ATAXIA-TELANGIECTASIA, COMPLEMENTATION GROUP A; ATAXIA-TELANGIECTASIA, FRESNO VARIANT; Ataxia-telangiectasia, complementation group E; LOUIS-BAR SYNDROME. Identifiers: Orphanet 100, MedGen C0004135, MONDO:0008840, OMIM 208900.

Submission:

Labcorp Genetics (formerly Invitae), Labcorp
Classification: Uncertain significance for Ataxia-telangiectasia syndrome. Last evaluated: 2021-05-20. Review status: criteria provided, single submitter. Criteria: Invitae Variant Classification Sherloc (09022015). Collection method: clinical testing. Allele origin: germline.
Comment: This variant has not been reported in the literature in individuals with ATM-related conditions. This sequence change replaces alanine with glutamic acid at codon 1123 of the ATM protein (p.Ala1123Glu). The alanine residue is weakly conserved and there is a moderate physicochemical difference between alanine and glutamic acid. This variant is not present in population databases (ExAC no frequency). Advanced modeling of protein sequence and biophysical properties (such as structural, functional, and spatial information, amino acid conservation, physicochemical variation, residue mobility, and thermodynamic stability) performed at Invitae indicates that this missense variant is not expected to disrupt ATM protein function. In summary, the available evidence is currently insufficient to determine the role of this variant in disease. Therefore, it has been classified as a Variant of Uncertain Significance.

NM_000051.4(ATM):c.3368C>A (p.Ala1123Glu)

Gene: ATM (ATM serine/threonine kinase; plus strand). Cytogenetic location: 11q22.3.
Variant type: single nucleotide variant.
Coding change: c.3368C>A on transcript NM_000051.4 (MANE Select); coding-DNA position 3368, C replaced by A.
Protein change: p.Ala1123Glu; replaces alanine 1123 with glutamic acid.
Molecular consequence: missense variant.
Genome position (GRCh38, 1-based): chr11:108,279,574, C>A. VCF-style: chr11-108279574-C-A. GRCh37 (hg19) VCF-style: chr11-108150301-C-A.
Other names: c.3368C>A, p.Ala1123Glu (NM_001351834.2); short protein forms A1123E.
Identifiers: ClinVar variation 1507681 (VCV001507681.8), dbSNP rs2135644677, ClinGen allele CA382517692.